The following is an entry in ClinVar:

NM_004946.3(DOCK2):c.4608C>A (p.Asp1536Glu)

Gene: DOCK2 (dedicator of cytokinesis 2; plus strand). Cytogenetic location: 5q35.1.
Variant type: single nucleotide variant.
Coding change: c.4608C>A on transcript NM_004946.3 (MANE Select); coding-DNA position 4608, C replaced by A.
Protein change: p.Asp1536Glu; replaces aspartic acid 1536 with glutamic acid.
Molecular consequence: missense variant. On other transcripts: non-coding transcript variant (1).
Genome position (GRCh38, 1-based): chr5:170,067,650, C>A. VCF-style: chr5-170067650-C-A. GRCh37 (hg19) VCF-style: chr5-169494654-C-A.
Other names: short protein forms D1536E.
Identifiers: ClinVar variation 844863 (VCV000844863.11), dbSNP rs766582922, ClinGen allele CA3554593.

ClinVar aggregate classification (germline): Uncertain significance (1 of 4 stars; one submission).

Conditions:
DOCK2 deficiency. Also called: Immunodeficiency 40. Identifiers: Orphanet 447737, MedGen C4225328, MONDO:0014637, OMIM 616433.

Allele frequency attached by ClinVar (database versions not stated): gnomAD exomes below 0.00001; ExAC 0.00001.
gnomAD v4.1: 1 of 1,614,146 alleles (0.000062%); highest among the groups gnomAD compares: Non-Finnish European, 0.000085%; no homozygotes.

Submission:

Labcorp Genetics (formerly Invitae), Labcorp
Classification: Uncertain significance for DOCK2 deficiency. Last evaluated: 2022-10-13. Review status: criteria provided, single submitter. Criteria: Invitae Variant Classification Sherloc (09022015). Collection method: clinical testing. Allele origin: germline.
Comment: In summary, the available evidence is currently insufficient to determine the role of this variant in disease. Therefore, it has been classified as a Variant of Uncertain Significance. Algorithms developed to predict the effect of missense changes on protein structure and function are either unavailable or do not agree on the potential impact of this missense change (SIFT: "Tolerated"; PolyPhen-2: "Probably Damaging"; Align-GVGD: "Class C0"). ClinVar contains an entry for this variant (Variation ID: 844863). This variant has not been reported in the literature in individuals affected with DOCK2-related conditions. This variant is present in population databases (rs766582922, gnomAD 0.0009%). This sequence change replaces aspartic acid, which is acidic and polar, with glutamic acid, which is acidic and polar, at codon 1536 of the DOCK2 protein (p.Asp1536Glu).